The following is an entry in ClinVar:

ClinVar aggregate classification (germline): Likely benign. Review status: criteria provided, multiple submitters, no conflicts (2 of 4 stars). 3 submissions from 3 submitters: Likely benign (2). 1 of the submissions does not count toward it. Last evaluated 2026-05-01.

Conditions:
ACTN2-related disorder. Also called: ACTN2-related disorders; ACTN2 related condition.

Allele frequency attached by ClinVar (database versions not stated): gnomAD exomes 0.00005; TOPMed 0.00005; gnomAD 0.00007; ExAC 0.00008; 1000 Genomes Project 30x 0.00016; 1000 Genomes Project 0.00020.
gnomAD v4.1: 79 of 1,535,654 alleles (0.0051%); highest among the groups gnomAD compares: Non-Finnish European, 0.0066%; no homozygotes.

Submissions (3):

CeGaT Center for Human Genetics Tuebingen
Classification: Likely benign. Last evaluated: 2026-05-01. Review status: criteria provided, single submitter. Criteria: CeGaT Center For Human Genetics Tuebingen Variant Classification Criteria Version 2. Collection method: clinical testing. Allele origin: germline. Affected: yes. Observed: 2 variant alleles.
Comment: ACTN2: BP4, BP7

Molecular Diagnostic Laboratory for Inherited Cardiovascular Disease, Montreal Heart Institute
Classification: Likely benign. Last evaluated: 2025-04-09. Review status: criteria provided, single submitter. Criteria: ACMG Guidelines, 2015. Collection method: clinical testing. Allele origin: germline. Affected: no.

PreventionGenetics, part of Exact Sciences
Classification: Likely benign for ACTN2-related condition. Last evaluated: 2019-05-30. Review status: no assertion criteria provided. Collection method: clinical testing. Allele origin: germline. Not counted in ClinVar's aggregate classification.
Comment: This variant is classified as likely benign based on ACMG/AMP sequence variant interpretation guidelines (Richards et al. 2015 PMID: 25741868, with internal and published modifications).

NM_001103.4(ACTN2):c.698-1180C>T

Gene: ACTN2 (actinin alpha 2; plus strand). Cytogenetic location: 1q43.
Variant type: single nucleotide variant.
Coding change: c.698-1180C>T on transcript NM_001103.4 (MANE Select); 1180 bases into the intron before coding-DNA position 698, C replaced by T.
Molecular consequence: intron variant. On other transcripts: synonymous variant (1), non-coding transcript variant (1).
Genome position (GRCh38, 1-based): chr1:236,734,455, C>T. VCF-style: chr1-236734455-C-T. GRCh37 (hg19) VCF-style: chr1-236897755-C-T.
Other names: c.720C>T (NM_001278343.1); c.720C>T, p.Pro240= (NM_001278343.2); c.-102C>T (NM_001278344.2); c.-227C>T (NM_001412150.1).
Identifiers: ClinVar variation 2640109 (VCV002640109.26), dbSNP rs548873056, ClinGen allele CA1472892.